The following is an entry in ClinVar:

NM_144499.3(GNAT1):c.539T>A (p.Ile180Asn)

Gene: GNAT1 (G protein subunit alpha transducin 1; plus strand). Cytogenetic location: 3p21.31.
Variant type: single nucleotide variant.
Coding change: c.539T>A on transcript NM_144499.3 (MANE Select); coding-DNA position 539, T replaced by A.
Protein change: p.Ile180Asn; replaces isoleucine 180 with asparagine.
Molecular consequence: missense variant.
Genome position (GRCh38, 1-based): chr3:50,193,842, T>A. VCF-style: chr3-50193842-T-A. GRCh37 (hg19) VCF-style: chr3-50231275-T-A.
Other names: c.539T>A, p.Ile180Asn (NM_000172.4); short protein forms I180N.
Identifiers: ClinVar variation 1717445 (VCV001717445.5), dbSNP rs1468622659, ClinGen allele CA352916546.
Genomic context (GRCh38, chr3:50,193,842, plus strand): 5'-CCCCGGGCTACGTGCCCACCGAGCAGGACGTGCTGCGCTCGCGAGTCAAGACCACTGGCA[T>A]CATCGAGACGCAGTTCTCCTTCAAGGATCTCAACTTCCGGTACGACCCATACGCTAGCCC-3'
Protein context (NP_653082.1, residues 170-190): VLRSRVKTTG[Ile180Asn]IETQFSFKDL

ClinVar aggregate classification (germline): Uncertain significance (1 of 4 stars; one submission).

Allele frequency attached by ClinVar (database versions not stated): TOPMed below 0.00001; gnomAD exomes 0.00001.
gnomAD v4.1: 7 of 1,613,220 alleles (0.00043%); highest among the groups gnomAD compares: Non-Finnish European, 0.00059%; no homozygotes.

Submission:

Labcorp Genetics (formerly Invitae), Labcorp
Classification: Uncertain significance. Last evaluated: 2025-04-28. Review status: criteria provided, single submitter. Criteria: Invitae Variant Classification Sherloc (09022015). Collection method: clinical testing. Allele origin: germline.
Comment: This sequence change replaces isoleucine, which is neutral and non-polar, with asparagine, which is neutral and polar, at codon 180 of the GNAT1 protein (p.Ile180Asn). This variant is present in population databases (no rsID available, gnomAD 0.0009%). This variant has not been reported in the literature in individuals affected with GNAT1-related conditions. ClinVar contains an entry for this variant (Variation ID: 1717445). Invitae Evidence Modeling of protein sequence and biophysical properties (such as structural, functional, and spatial information, amino acid conservation, physicochemical variation, residue mobility, and thermodynamic stability) indicates that this missense variant is expected to disrupt GNAT1 protein function with a positive predictive value of 80%. In summary, the available evidence is currently insufficient to determine the role of this variant in disease. Therefore, it has been classified as a Variant of Uncertain Significance.